The following is an entry in ClinVar:

ClinVar aggregate classification (germline): Likely pathogenic (1 of 4 stars; one submission).

Conditions:
Cornelia de Lange syndrome 3 (CDLS3). Also called: SMC3-Related Cornelia de Lange Syndrome; CORNELIA DE LANGE SYNDROME 3 WITH OR WITHOUT MIDLINE BRAIN DEFECTS. Identifiers: Orphanet 199, MedGen C1853099, MONDO:0012555, OMIM 610759.

Submission:

Laboratorio de Genetica e Diagnostico Molecular, Hospital Israelita Albert Einstein
Classification: Likely pathogenic for Cornelia de Lange syndrome 3. Last evaluated: 2025-01-29. Review status: criteria provided, single submitter. Criteria: ACMG Guidelines, 2015. Collection method: clinical testing. Allele origin: germline. Affected: yes.
Comment: ACMG classification criteria: PVS1 very strong, PM2 supporting

NM_005445.4(SMC3):c.1078C>T (p.Arg360Ter)

Gene: SMC3 (structural maintenance of chromosomes 3; plus strand). Cytogenetic location: 10q25.2.
Variant type: single nucleotide variant.
Coding change: c.1078C>T on transcript NM_005445.4 (MANE Select); coding-DNA position 1078, C replaced by T.
Protein change: p.Arg360Ter; replaces arginine 360 with a stop codon.
Molecular consequence: nonsense.
Genome position (GRCh38, 1-based): chr10:110,583,949, C>T. VCF-style: chr10-110583949-C-T. GRCh37 (hg19) VCF-style: chr10-112343707-C-T.
Other names: short protein forms R360*.
Identifiers: ClinVar variation 4076190 (VCV004076190.1).